The following is an entry in ClinVar:

ClinVar aggregate classification (germline): Uncertain significance (1 of 4 stars; one submission).

Conditions:
Intellectual developmental disorder, autosomal dominant 66. Also called: MENTAL RETARDATION, AUTOSOMAL DOMINANT 66. Identifiers: MedGen C5677000, MONDO:0030891, OMIM 619910.

Submission:

Dasa
Classification: Uncertain significance for Intellectual developmental disorder, autosomal dominant 66. Last evaluated: 2026-03-26. Review status: criteria provided, single submitter. Criteria: DASA Assertion Criteria. Collection method: clinical testing. Allele origin: germline.
Comment: NM_001366521.1(ATP2B1):c.847C>G (p.Gln283Glu) is a missense variant that results in the substitution of glutamine with glutamic acid. This variant is rare in population databases. Computational prediction algorithms are consistent with a deleterious effect. The currently available literature and clinical evidence are not sufficient to establish a definitive association between this variant and the reported condition. Therefore, this variant is classified as a variant of uncertain significance.

NM_001366521.1(ATP2B1):c.847C>G (p.Gln283Glu)

Gene: ATP2B1 (ATPase plasma membrane Ca2+ transporting 1; minus strand). Cytogenetic location: 12q21.33.
Variant type: single nucleotide variant.
Coding change: c.847C>G on transcript NM_001366521.1 (MANE Select); coding-DNA position 847, C replaced by G.
Protein change: p.Gln283Glu; replaces glutamine 283 with glutamic acid.
Molecular consequence: missense variant. On other transcripts: non-coding transcript variant (3), intron variant (8).
Genome position (GRCh38, 1-based): chr12:89,630,586, G>C on the plus strand (C>G on the coding strand, the complement: ATP2B1 is on the minus strand). VCF-style: chr12-89630586-G-C. GRCh37 (hg19) VCF-style: chr12-90024363-G-C.
Other names: c.847C>G, p.Gln283Glu (NM_001413048.1, NM_001413049.1, NM_001413050.1 and 14 more transcripts); c.649C>G, p.Gln217Glu (NM_001413053.1, NM_001366530.1); c.592C>G, p.Gln198Glu (NM_001413056.1); c.394C>G, p.Gln132Glu (NM_001413057.1); c.407-3971C>G (NM_001413060.1, NM_001366531.1, NM_001413058.1 and 2 more transcripts); c.788-2870C>G (NM_001413051.1, NM_001413055.1, NM_001413052.1); short protein forms Q132E, Q198E, Q217E, Q283E.
Identifiers: ClinVar variation 4882808 (VCV004882808.2).